The following is an entry in ClinVar:

ClinVar aggregate classification (germline): Uncertain significance (1 of 4 stars; one submission).

Allele frequency attached by ClinVar (database versions not stated): gnomAD exomes 0.00001.

Submission:

Labcorp Genetics (formerly Invitae), Labcorp
Classification: Uncertain significance. Last evaluated: 2023-01-06. Review status: criteria provided, single submitter. Criteria: Invitae Variant Classification Sherloc (09022015). Collection method: clinical testing. Allele origin: germline.
Comment: This sequence change replaces serine, which is neutral and polar, with glycine, which is neutral and non-polar, at codon 530 of the MAK protein (p.Ser530Gly). This variant is not present in population databases (gnomAD no frequency). In summary, the available evidence is currently insufficient to determine the role of this variant in disease. Therefore, it has been classified as a Variant of Uncertain Significance. Advanced modeling of protein sequence and biophysical properties (such as structural, functional, and spatial information, amino acid conservation, physicochemical variation, residue mobility, and thermodynamic stability) performed at Invitae indicates that this missense variant is not expected to disrupt MAK protein function. ClinVar contains an entry for this variant (Variation ID: 956203). This variant has not been reported in the literature in individuals affected with MAK-related conditions.

NM_001242957.3(MAK):c.1588A>G (p.Ser530Gly)

Gene: MAK (male germ cell associated kinase; minus strand). Cytogenetic location: 6p24.2.
Variant type: single nucleotide variant.
Coding change: c.1588A>G on transcript NM_001242957.3 (MANE Select); coding-DNA position 1588, A replaced by G.
Protein change: p.Ser530Gly; replaces serine 530 with glycine.
Molecular consequence: missense variant. On other transcripts: non-coding transcript variant (2).
Genome position (GRCh38, 1-based): chr6:10,775,337, T>C on the plus strand (A>G on the coding strand, the complement: MAK is on the minus strand). VCF-style: chr6-10775337-T-C. GRCh37 (hg19) VCF-style: chr6-10775570-T-C.
Other names: c.1588A>G, p.Ser530Gly (NM_001242385.2, NM_005906.6); c.1486A>G, p.Ser496Gly (NM_001377262.1); short protein forms S530G, S496G.
Identifiers: ClinVar variation 956203 (VCV000956203.8), dbSNP rs1773372603, ClinGen allele CA362715490.